The following is an entry in ClinVar:

ClinVar aggregate classification (germline): Likely pathogenic (1 of 4 stars; one submission).

Conditions:
Familial intrahepatic cholestasis. Identifiers: Orphanet 284385, MedGen CN296401, MONDO:0017290.

Submission:

Genomenon, Inc
Classification: Likely pathogenic for Familial intrahepatic cholestasis. Last evaluated: 2026-04-14. Review status: criteria provided, single submitter. Criteria: Genomenon Sequence Variant Interpretation Standards - Updated. Collection method: curation. Allele origin: germline. Affected: yes.
Comment: ABCB4 p.Arg831Ser (c.2493G>C) is a missense variant that changes the amino acid at residue 831 from Arginine to Serine. This variant has been observed in at least one proband with an ABCB4-related disorder (PMID:40200381;38610052). It has been observed in trans with a pathogenic or likely pathogenic variant (PMID:38610052). It is absent or not present at a significant frequency in gnomAD. In silico models predict that this variant is possibly or probably damaging. In conclusion, we classify ABCB4 p.Arg831Ser (c.2493G>C) as a likely pathogenic variant.

Literature cited by the submitters: PubMed 40200381; PubMed 38610052.

NM_000443.4(ABCB4):c.2493G>C (p.Arg831Ser)

Gene: ABCB4 (ATP binding cassette subfamily B member 4; minus strand). Cytogenetic location: 7q21.12.
Variant type: single nucleotide variant.
Coding change: c.2493G>C on transcript NM_000443.4 (MANE Select); coding-DNA position 2493, G replaced by C.
Protein change: p.Arg831Ser; replaces arginine 831 with serine.
Molecular consequence: missense variant.
Genome position (GRCh38, 1-based): chr7:87,417,501, C>G on the plus strand (G>C on the coding strand, the complement: ABCB4 is on the minus strand). VCF-style: chr7-87417501-C-G. GRCh37 (hg19) VCF-style: chr7-87046817-C-G.
Other names: c.2493G>C, p.Arg831Ser (NM_018849.3, NM_018850.3); short protein forms R831S.
Identifiers: ClinVar variation 4846610 (VCV004846610.1).
Genomic context (GRCh38, chr7:87,417,501, plus strand): 5'-GATAAATGATATGATAATACCAGTTCCAAGGTTAGCTATATTCTGTGCAATTAAAGCCAA[C>G]CTGGTTCCTGTGGCCTGGGAGAGAAAAAGCACAAAGCAACTGTAGTTTTAAGCTCCAAAT-3'
Protein context (NP_000434.1, residues 821-841): AAQVQGATGT[Arg831Ser]LALIAQNIAN